The following is an entry in ClinVar:

NM_001354930.2(RIPK1):c.1191G>C (p.Gln397His)

Gene: RIPK1 (receptor interacting serine/threonine kinase 1; plus strand). Cytogenetic location: 6p25.2.
Variant type: single nucleotide variant.
Coding change: c.1191G>C on transcript NM_001354930.2 (MANE Select); coding-DNA position 1191, G replaced by C.
Protein change: p.Gln397His; replaces glutamine 397 with histidine.
Molecular consequence: missense variant.
Genome position (GRCh38, 1-based): chr6:3,105,666, G>C. VCF-style: chr6-3105666-G-C. GRCh37 (hg19) VCF-style: chr6-3105900-G-C.
Other names: c.702G>C, p.Gln234His (NM_001317061.3, NM_001354932.2, NM_001354933.2 and 1 more transcripts); c.1053G>C, p.Gln351His (NM_001354931.2); c.1191G>C, p.Gln397His (NM_003804.6); short protein forms Q234H, Q397H, Q351H.
Identifiers: ClinVar variation 3670374 (VCV003670374.2).
Genomic context (GRCh38, chr6:3,105,666, plus strand): 5'-ACTCCAAGACGAAGCCAACTACCATCTTTATGGCAGCCGCATGGACAGGCAGACGAAACA[G>C]CAGCCCAGACAGAATGTGGCTTACAACAGAGAGGAGGAAAGGAGACGCAGGGTCTCCCAT-3'
Protein context (NP_001341859.1, residues 387-407): YGSRMDRQTK[Gln397His]QPRQNVAYNR

ClinVar aggregate classification (germline): Uncertain significance (1 of 4 stars; one submission).

Submission:

Labcorp Genetics (formerly Invitae), Labcorp
Classification: Uncertain significance. Last evaluated: 2024-06-14. Review status: criteria provided, single submitter. Criteria: Invitae Variant Classification Sherloc (09022015). Collection method: clinical testing. Allele origin: germline.
Comment: This sequence change replaces glutamine, which is neutral and polar, with histidine, which is basic and polar, at codon 397 of the RIPK1 protein (p.Gln397His). This variant is not present in population databases (gnomAD no frequency). This variant has not been reported in the literature in individuals affected with RIPK1-related conditions. An algorithm developed to predict the effect of missense changes on protein structure and function (PolyPhen-2) suggests that this variant is likely to be tolerated. In summary, the available evidence is currently insufficient to determine the role of this variant in disease. Therefore, it has been classified as a Variant of Uncertain Significance.